The following is an entry in ClinVar:

ClinVar aggregate classification (germline): Uncertain significance. Review status: criteria provided, multiple submitters, no conflicts (2 of 4 stars). 4 submissions from 4 submitters: Uncertain significance (4). Last evaluated 2025-09-29.

Conditions:
Vici syndrome (VICIS). Identifiers: Orphanet 1493, MedGen C1855772, MONDO:0009452, OMIM 242840.
Inborn genetic diseases. Identifiers: MedGen C0950123, MeSH D030342.
EPG5-related disorder. Also called: EPG5-related condition. Identifiers: MedGen CN381528.

Allele frequency attached by ClinVar (database versions not stated): ExAC 0.00007; gnomAD exomes 0.00007; ESP Exome Variant Server 0.00008; TOPMed 0.00009; gnomAD 0.00011; 1000 Genomes Project 30x 0.00016; 1000 Genomes Project 0.00020.

Submissions (4):

PreventionGenetics, part of Exact Sciences
Classification: Uncertain significance for EPG5-related condition. Last evaluated: 2025-09-29. Review status: criteria provided, single submitter. Criteria: ACMG Guidelines, 2015. Collection method: clinical testing. Allele origin: germline.
Comment: The EPG5 c.2618C>T variant is predicted to result in the amino acid substitution p.Ala873Val. To our knowledge, this variant has not been reported in the literature. This variant is reported in 0.011% of alleles in individuals of European (Non-Finnish) descent in gnomAD. At this time, the clinical significance of this variant is uncertain due to the absence of conclusive functional and genetic evidence.

Ambry Genetics
Classification: Uncertain significance for Inborn genetic diseases. Last evaluated: 2025-03-24. Review status: criteria provided, single submitter. Criteria: Ambry Variant Classification Scheme 2023. Collection method: clinical testing. Allele origin: germline.

Blueprint Genetics
Classification: Uncertain significance. Last evaluated: 2024-06-20. Review status: criteria provided, single submitter. Criteria: ACMG Guidelines, 2015. Collection method: clinical testing. Allele origin: germline.

Labcorp Genetics (formerly Invitae), Labcorp
Classification: Uncertain significance for Vici syndrome. Last evaluated: 2022-11-01. Review status: criteria provided, single submitter. Criteria: Invitae Variant Classification Sherloc (09022015). Collection method: clinical testing. Allele origin: germline.
Comment: This sequence change replaces alanine, which is neutral and non-polar, with valine, which is neutral and non-polar, at codon 873 of the EPG5 protein (p.Ala873Val). This variant is present in population databases (rs201678945, gnomAD 0.01%). This variant has not been reported in the literature in individuals affected with EPG5-related conditions. ClinVar contains an entry for this variant (Variation ID: 572887). Advanced modeling of protein sequence and biophysical properties (such as structural, functional, and spatial information, amino acid conservation, physicochemical variation, residue mobility, and thermodynamic stability) performed at Invitae indicates that this missense variant is not expected to disrupt EPG5 protein function. In summary, the available evidence is currently insufficient to determine the role of this variant in disease. Therefore, it has been classified as a Variant of Uncertain Significance.

NM_020964.3(EPG5):c.2618C>T (p.Ala873Val)

Gene: EPG5 (ectopic P-granules 5 autophagy tethering factor; minus strand). Cytogenetic location: 18q21.1.
Variant type: single nucleotide variant.
Coding change: c.2618C>T on transcript NM_020964.3 (MANE Select); coding-DNA position 2618, C replaced by T.
Protein change: p.Ala873Val; replaces alanine 873 with valine.
Molecular consequence: missense variant.
Genome position (GRCh38, 1-based): chr18:45,925,838, G>A on the plus strand (C>T on the coding strand, the complement: EPG5 is on the minus strand). VCF-style: chr18-45925838-G-A. GRCh37 (hg19) VCF-style: chr18-43505804-G-A.
Other names: c.2618C>T, p.Ala873Val (LRG_1234t1); short protein forms A873V.
Identifiers: ClinVar variation 572887 (VCV000572887.9), dbSNP rs201678945, ClinGen allele CA8949383.